The following is an entry in ClinVar:

NM_001048174.2(MUTYH):c.808A>G (p.Ser270Gly)

Gene: MUTYH (mutY DNA glycosylase; minus strand). Cytogenetic location: 1p34.1.
Variant type: single nucleotide variant.
Coding change: c.808A>G on transcript NM_001048174.2 (MANE Select); coding-DNA position 808, A replaced by G.
Protein change: p.Ser270Gly; replaces serine 270 with glycine.
Molecular consequence: missense variant. On other transcripts: non-coding transcript variant (7).
Genome position (GRCh38, 1-based): chr1:45,332,207, T>C on the plus strand (A>G on the coding strand, the complement: MUTYH is on the minus strand). VCF-style: chr1-45332207-T-C. GRCh37 (hg19) VCF-style: chr1-45797879-T-C.
Other names: c.766A>G, p.Ser256Gly (NM_001407080.1); c.808A>G, p.Ser270Gly (NM_001407081.1, NM_001407088.1, NM_001407089.1 and 6 more transcripts); c.463A>G, p.Ser155Gly (NM_001407082.1, NM_001350650.2, NM_001350651.2); c.850A>G, p.Ser284Gly (NM_001407083.1, NM_001407085.1); c.811A>G, p.Ser271Gly (NM_001407086.1, NM_001048172.2, NM_001407071.1 and 1 more transcripts); c.829A>G, p.Ser277Gly (NM_001407087.1); c.532A>G, p.Ser178Gly (NM_001407091.1, NM_001293192.2, NM_001293196.2); c.892A>G, p.Ser298Gly (NM_001128425.2); and 5 more; short protein forms S178G, S271G, S298G, S284G, S295G, S242G, S256G, S281G.
Identifiers: ClinVar variation 4113885 (VCV004113885.1).
Genomic context (GRCh38, chr1:45,332,207, plus strand): 5'-CCTTCCCCAGTAGGCTTACTCTCTGGCGTGCCCGGCACAGGCTCTCCACAGGGCACTGGC[T>C]GCACAGTGGGCGCTGTGGGGTACACACTGTGGCCCCTAGCTCCATGGCTGCTTGGTTGAA-3'
Protein context (NP_001041639.1, residues 260-280): TVCTPQRPLC[Ser270Gly]QCPVESLCRA

ClinVar aggregate classification (germline): Uncertain significance (1 of 4 stars; one submission).

Conditions:
Hereditary cancer-predisposing syndrome. Also called: Hereditary neoplastic syndrome; Neoplastic Syndromes, Hereditary; Tumor predisposition; Hereditary Cancer Syndrome. Identifiers: Orphanet 140162, MedGen C0027672, MeSH D009386, MONDO:0015356.

Submission:

Ambry Genetics
Classification: Uncertain significance for Hereditary cancer-predisposing syndrome. Last evaluated: 2025-08-27. Review status: criteria provided, single submitter. Criteria: Ambry Variant Classification Scheme 2023. Collection method: clinical testing. Allele origin: germline.
Comment: The p.S298G variant (also known as c.892A>G), located in coding exon 10 of the MUTYH gene, results from an A to G substitution at nucleotide position 892. The serine at codon 298 is replaced by glycine, an amino acid with similar properties. This amino acid position is conserved. In addition, this alteration is predicted to be tolerated by in silico analysis. Based on the available evidence, the clinical significance of this variant remains unclear.